The following is an entry in ClinVar:

ClinVar aggregate classification (germline): Uncertain significance (1 of 4 stars; one submission).

Conditions:
Glycogen storage disease type III (GSD3). Also called: FORBES DISEASE; Cori disease. Identifiers: Orphanet 366, MedGen C0017922, MONDO:0009291, OMIM 232400.

Submission:

Labcorp Genetics (formerly Invitae), Labcorp
Classification: Uncertain significance for Glycogen storage disease type III. Last evaluated: 2021-09-01. Review status: criteria provided, single submitter. Criteria: Invitae Variant Classification Sherloc (09022015). Collection method: clinical testing. Allele origin: germline.
Comment: This sequence change replaces glutamine with histidine at codon 1159 of the AGL protein (p.Gln1159His). The glutamine residue is moderately conserved and there is a small physicochemical difference between glutamine and histidine. This variant is not present in population databases (ExAC no frequency). This variant has not been reported in the literature in individuals affected with AGL-related conditions. Algorithms developed to predict the effect of missense changes on protein structure and function (SIFT, PolyPhen-2, Align-GVGD) all suggest that this variant is likely to be tolerated. In summary, the available evidence is currently insufficient to determine the role of this variant in disease. Therefore, it has been classified as a Variant of Uncertain Significance.

NM_000642.3(AGL):c.3477G>C (p.Gln1159His)

Gene: AGL (amylo-alpha-1,6-glucosidase and 4-alpha-glucanotransferase; plus strand). Cytogenetic location: 1p21.2.
Variant type: single nucleotide variant.
Coding change: c.3477G>C on transcript NM_000642.3 (MANE Select); coding-DNA position 3477, G replaced by C.
Protein change: p.Gln1159His; replaces glutamine 1159 with histidine.
Molecular consequence: missense variant.
Genome position (GRCh38, 1-based): chr1:99,900,750, G>C. VCF-style: chr1-99900750-G-C. GRCh37 (hg19) VCF-style: chr1-100366306-G-C.
Other names: c.3477G>C, p.Gln1159His (NM_000028.3, NM_000643.3, NM_000644.3 and 1 more transcripts); c.3429G>C, p.Gln1143His (NM_000646.3); c.3456G>C, p.Gln1152His (NM_001425326.1); c.3276G>C, p.Gln1092His (NM_001425327.1); c.3273G>C, p.Gln1091His (NM_001425328.1); c.3138G>C, p.Gln1046His (NM_001425329.1); c.3099G>C, p.Gln1033His (NM_001425332.1); short protein forms Q1159H, Q1143H, Q1033H, Q1046H, Q1091H, Q1092H, Q1152H.
Identifiers: ClinVar variation 646554 (VCV000646554.6), dbSNP rs1570482572, ClinGen allele CA341331625.
Genomic context (GRCh38, chr1:99,900,750, plus strand): 5'-ACTGGGTGAAGGAATTTATGCCAGATACAATTGTCGGGATGCTGTGTGGTGGTGGCTGCA[G>C]TGTATCCAGGATTACTGTAAAATGGTTCCAAATGGTCTAGACATTCTCAAGTGCCCAGTT-3'
Protein context (NP_000633.2, residues 1149-1169): NCRDAVWWWL[Gln1159His]CIQDYCKMVP